The following is an entry in ClinVar:

NM_000019.4(ACAT1):c.976C>G (p.Pro326Ala)

Gene: ACAT1 (acetyl-CoA acetyltransferase 1; plus strand). Cytogenetic location: 11q22.3.
Variant type: single nucleotide variant.
Coding change: c.976C>G on transcript NM_000019.4 (MANE Select); coding-DNA position 976, C replaced by G.
Protein change: p.Pro326Ala; replaces proline 326 with alanine.
Molecular consequence: missense variant. On other transcripts: non-coding transcript variant (1).
Genome position (GRCh38, 1-based): chr11:108,144,018, C>G. VCF-style: chr11-108144018-C-G. GRCh37 (hg19) VCF-style: chr11-108014745-C-G.
Other names: c.976C>G, p.Pro326Ala (NM_001386677.1); c.661C>G, p.Pro221Ala (NM_001386678.1); c.679C>G, p.Pro227Ala (NM_001386679.1); c.706C>G, p.Pro236Ala (NM_001386681.1, NM_001386682.1, NM_001386685.1 and 6 more transcripts); short protein forms P227A, P326A, P221A, P236A.
Identifiers: ClinVar variation 1901652 (VCV001901652.5), dbSNP rs777350099, ClinGen allele CA6263322.

ClinVar aggregate classification (germline): Uncertain significance (1 of 4 stars; one submission).

Conditions:
Deficiency of acetyl-CoA acetyltransferase. Also called: 3-KETOTHIOLASE DEFICIENCY; 3-OXOTHIOLASE DEFICIENCY; MITOCHONDRIAL ACETOACETYL-CoA THIOLASE DEFICIENCY; Beta-ketothiolase deficiency. Identifiers: Orphanet 134, MedGen C1536500, MONDO:0008760, OMIM 203750. Disease mechanism: loss of function.

Allele frequency attached by ClinVar (database versions not stated): ExAC 0.00001; gnomAD exomes 0.00001.

Submission:

Labcorp Genetics (formerly Invitae), Labcorp
Classification: Uncertain significance for Deficiency of acetyl-CoA acetyltransferase. Last evaluated: 2024-10-14. Review status: criteria provided, single submitter. Criteria: Invitae Variant Classification Sherloc (09022015). Collection method: clinical testing. Allele origin: germline.
Comment: This sequence change replaces proline, which is neutral and non-polar, with alanine, which is neutral and non-polar, at codon 326 of the ACAT1 protein (p.Pro326Ala). This variant is present in population databases (rs777350099, gnomAD 0.006%). This variant has not been reported in the literature in individuals affected with ACAT1-related conditions. ClinVar contains an entry for this variant (Variation ID: 1901652). Invitae Evidence Modeling of protein sequence and biophysical properties (such as structural, functional, and spatial information, amino acid conservation, physicochemical variation, residue mobility, and thermodynamic stability) has been performed for this missense variant. However, the output from this modeling did not meet the statistical confidence thresholds required to predict the impact of this variant on ACAT1 protein function. In summary, the available evidence is currently insufficient to determine the role of this variant in disease. Therefore, it has been classified as a Variant of Uncertain Significance.